The following is an entry in ClinVar:

NM_004656.4(BAP1):c.587G>C (p.Trp196Ser)

Gene: BAP1 (BRCA1 associated deubiquitinase 1; minus strand). Cytogenetic location: 3p21.1.
Variant type: single nucleotide variant.
Coding change: c.587G>C on transcript NM_004656.4 (MANE Select); coding-DNA position 587, G replaced by C.
Protein change: p.Trp196Ser; replaces tryptophan 196 with serine.
Molecular consequence: missense variant.
Genome position (GRCh38, 1-based): chr3:52,406,901, C>G on the plus strand (G>C on the coding strand, the complement: BAP1 is on the minus strand). VCF-style: chr3-52406901-C-G. GRCh37 (hg19) VCF-style: chr3-52440917-C-G.
Other names: c.587G>C (NM_004656.2); short protein forms W196S.
Identifiers: ClinVar variation 1697567 (VCV001697567.8), dbSNP rs1553645725, ClinGen allele CA353109209.

ClinVar aggregate classification (germline): Uncertain significance. Review status: criteria provided, multiple submitters, no conflicts (2 of 4 stars). 2 submissions from 2 submitters: Uncertain significance (2). Last evaluated 2025-12-10.

Conditions:
Hereditary cancer-predisposing syndrome. Also called: Hereditary neoplastic syndrome; Tumor predisposition; Neoplastic Syndromes, Hereditary; Hereditary Cancer Syndrome. Identifiers: Orphanet 140162, MedGen C0027672, MeSH D009386, MONDO:0015356.

Submissions (2):

Ambry Genetics
Classification: Uncertain significance for Hereditary cancer-predisposing syndrome. Last evaluated: 2025-12-10. Review status: criteria provided, single submitter. Criteria: Ambry Variant Classification Scheme 2023. Collection method: clinical testing. Allele origin: germline.
Comment: The p.W196S variant (also known as c.587G>C), located in coding exon 8 of the BAP1 gene, results from a G to C substitution at nucleotide position 587. The tryptophan at codon 196 is replaced by serine, an amino acid with highly dissimilar properties. This alteration was non-functional in a high throughput genome editing haploid cell survival functional assay (Waters AJ et al. Nat Genet, 2024 Jul;56:1434-1445). This amino acid position is highly conserved in available vertebrate species. In addition, this alteration is predicted to be deleterious by in silico analysis. Based on the available evidence, the clinical significance of this variant remains unclear.

Center for Genomic Medicine, Rigshospitalet, Copenhagen University Hospital
Classification: Uncertain significance. Last evaluated: 2025-03-04. Review status: criteria provided, single submitter. Criteria: ACMG Guidelines, 2015. Collection method: clinical testing. Allele origin: germline.

Literature cited by the submitters: PubMed 38969833 (cited by Ambry Genetics).